The following is an entry in ClinVar:

NM_000548.5(TSC2):c.5333C>T (p.Ala1778Val)

Gene: TSC2 (TSC complex subunit 2; plus strand). Cytogenetic location: 16p13.3.
Variant type: single nucleotide variant.
Coding change: c.5333C>T on transcript NM_000548.5 (MANE Select); coding-DNA position 5333, C replaced by T.
Protein change: p.Ala1778Val; replaces alanine 1778 with valine.
Molecular consequence: missense variant.
Genome position (GRCh38, 1-based): chr16:2,088,519, C>T. VCF-style: chr16-2088519-C-T. GRCh37 (hg19) VCF-style: chr16-2138520-C-T.
Other names: c.5333C>T (NM_000548.4); c.5132C>T, p.Ala1711Val (NM_001077183.3); c.5264C>T, p.Ala1755Val (NM_001114382.3); c.5024C>T, p.Ala1675Val (NM_001318827.2); c.4988C>T, p.Ala1663Val (NM_001318829.2); c.4601C>T, p.Ala1534Val (NM_001318831.2); c.5165C>T, p.Ala1722Val (NM_001318832.2); c.5135C>T, p.Ala1712Val (NM_001363528.2); and 3 more; short protein forms A1778V, A1663V, A1675V, A1712V, A1722V, A1731V, A1755V, A1711V.
Identifiers: ClinVar variation 468159 (VCV000468159.17), dbSNP rs755900742, ClinGen allele CA394315621.

ClinVar aggregate classification (germline): Conflicting classifications of pathogenicity. Review status: criteria provided, conflicting classifications (1 of 4 stars). 5 submissions from 5 submitters: Uncertain significance (4); Likely benign (1). Last evaluated 2026-08-03.

Conditions:
TSC2-related disorder. Also called: TSC2-Related Disorders; TSC2-related condition.
Hereditary cancer-predisposing syndrome. Also called: Tumor predisposition; Hereditary neoplastic syndrome; Neoplastic Syndromes, Hereditary; Hereditary Cancer Syndrome. Identifiers: Orphanet 140162, MedGen C0027672, MeSH D009386, MONDO:0015356.
Isolated focal cortical dysplasia type II (FCORD2). Also called: CORTICAL DYSPLASIA OF TAYLOR; Focal cortical dysplasia type II. Identifiers: Orphanet 268994, MedGen C1846385, MONDO:0011818, OMIM 607341, HP:0032051.
Tuberous sclerosis 2 (TSC2). Identifiers: Orphanet 805, MedGen C1860707, MONDO:0013199, OMIM 613254.

Submissions (5):

PreventionGenetics, part of Exact Sciences
Classification: Uncertain significance for TSC2-related condition. Last evaluated: 2026-08-03. Review status: criteria provided, single submitter. Criteria: ACMG Guidelines, 2015. Collection method: clinical testing. Allele origin: germline.
Comment: The TSC2 c.5333C>T variant is predicted to result in the amino acid substitution p.Ala1778Val. To our knowledge, this variant has not been reported in the literature or in a large population database (gnomAD), indicating it is rare. It is classified as uncertain in ClinVar (Variation ID: 468159). At this time, the clinical significance of this variant is uncertain due to the absence of conclusive functional and genetic evidence.

Labcorp Genetics (formerly Invitae), Labcorp
Classification: Uncertain significance for Tuberous sclerosis 2. Last evaluated: 2026-01-14. Review status: criteria provided, single submitter. Criteria: Invitae Variant Classification Sherloc (09022015). Collection method: clinical testing. Allele origin: germline.
Comment: This sequence change replaces alanine, which is neutral and non-polar, with valine, which is neutral and non-polar, at codon 1778 of the TSC2 protein (p.Ala1778Val). This variant is not present in population databases (gnomAD no frequency). This variant has not been reported in the literature in individuals affected with TSC2-related conditions. ClinVar contains an entry for this variant (Variation ID: 468159). Invitae Evidence Modeling of protein sequence and biophysical properties (such as structural, functional, and spatial information, amino acid conservation, physicochemical variation, residue mobility, and thermodynamic stability) indicates that this missense variant is not expected to disrupt TSC2 protein function with a negative predictive value of 95%. In summary, the available evidence is currently insufficient to determine the role of this variant in disease. Therefore, it has been classified as a Variant of Uncertain Significance.

Ambry Genetics
Classification: Uncertain significance for Hereditary cancer-predisposing syndrome. Last evaluated: 2024-12-16. Review status: criteria provided, single submitter. Criteria: Ambry Variant Classification Scheme 2023. Collection method: clinical testing. Allele origin: germline.
Comment: The p.A1778V variant (also known as c.5333C>T), located in coding exon 41 of the TSC2 gene, results from a C to T substitution at nucleotide position 5333. The alanine at codon 1778 is replaced by valine, an amino acid with similar properties. This amino acid position is conserved. In addition, the in silico prediction for this alteration is inconclusive. Based on the available evidence, the clinical significance of this variant remains unclear.

Baylor Genetics
Classification: Uncertain significance for Isolated focal cortical dysplasia type II. Last evaluated: 2024-03-15. Review status: criteria provided, single submitter. Criteria: ACMG Guidelines, 2015. Collection method: clinical testing. Allele origin: unknown.

GeneDx
Classification: Likely benign. Last evaluated: 2023-04-22. Review status: criteria provided, single submitter. Criteria: GeneDx Variant Classification Process June 2021. Collection method: clinical testing. Allele origin: germline.
Comment: See Variant Classification Assertion Criteria.